The following is an entry in ClinVar:

ClinVar aggregate classification (germline): Uncertain significance. Review status: criteria provided, multiple submitters, no conflicts (2 of 4 stars). 2 submissions from 2 submitters: Uncertain significance (2). Last evaluated 2025-10-02.

Conditions:
Inborn genetic diseases. Identifiers: MedGen C0950123, MeSH D030342.
Cataract 10 multiple types. Also called: CATARACT 10, CONGENITAL ZONULAR, WITH SUTURAL OPACITIES. Identifiers: Orphanet 91492, MedGen C1833229, MONDO:0010948, OMIM 600881.

Allele frequency attached by ClinVar (database versions not stated): gnomAD 0.00003; gnomAD exomes 0.00003; ExAC 0.00002; TOPMed 0.00006.
gnomAD v4.1: 46 of 1,604,202 alleles (0.0029%); highest among the groups gnomAD compares: Middle Eastern, 0.066%; no homozygotes.

Submissions (2):

Labcorp Genetics (formerly Invitae), Labcorp
Classification: Uncertain significance for Cataract 10 multiple types. Last evaluated: 2025-10-02. Review status: criteria provided, single submitter. Criteria: Invitae Variant Classification Sherloc (09022015). Collection method: clinical testing. Allele origin: germline.
Comment: This sequence change replaces glutamic acid, which is acidic and polar, with aspartic acid, which is acidic and polar, at codon 39 of the CRYBA1 protein (p.Glu39Asp). This variant is present in population databases (rs200145139, gnomAD 0.01%). This variant has not been reported in the literature in individuals affected with CRYBA1-related conditions. ClinVar contains an entry for this variant (Variation ID: 2598608). An algorithm developed to predict the effect of missense changes on protein structure and function (PolyPhen-2) suggests that this variant is likely to be tolerated. In summary, the available evidence is currently insufficient to determine the role of this variant in disease. Therefore, it has been classified as a Variant of Uncertain Significance.

Ambry Genetics
Classification: Uncertain significance for Inborn genetic diseases. Last evaluated: 2023-06-26. Review status: criteria provided, single submitter. Criteria: Ambry Variant Classification Scheme 2023. Collection method: clinical testing. Allele origin: germline.

NM_005208.5(CRYBA1):c.117G>C (p.Glu39Asp)

Gene: CRYBA1 (crystallin beta A1; plus strand). Cytogenetic location: 17q11.2.
Variant type: single nucleotide variant.
Coding change: c.117G>C on transcript NM_005208.5 (MANE Select); coding-DNA position 117, G replaced by C.
Protein change: p.Glu39Asp; replaces glutamic acid 39 with aspartic acid.
Molecular consequence: missense variant.
Genome position (GRCh38, 1-based): chr17:29,250,202, G>C. VCF-style: chr17-29250202-G-C. GRCh37 (hg19) VCF-style: chr17-27577220-G-C.
Other names: short protein forms E39D.
Identifiers: ClinVar variation 2598608 (VCV002598608.4), dbSNP rs200145139, ClinGen allele CA8473680.